The following is an entry in ClinVar:

NM_001330360.2(POLA1):c.1822A>G (p.Ile608Val)

Gene: POLA1 (DNA polymerase alpha 1, catalytic subunit; plus strand). Cytogenetic location: Xp22.11.
Variant type: single nucleotide variant.
Coding change: c.1822A>G on transcript NM_001330360.2 (MANE Select); coding-DNA position 1822, A replaced by G.
Protein change: p.Ile608Val; replaces isoleucine 608 with valine.
Molecular consequence: missense variant. On other transcripts: non-coding transcript variant (1).
Genome position (GRCh38, 1-based): chrX:24,733,805, A>G. VCF-style: chrX-24733805-A-G. GRCh37 (hg19) VCF-style: chrX-24751922-A-G.
Other names: c.1747A>G, p.Ile583Val (NM_001378303.1); c.1822A>G, p.Ile608Val (NM_001440806.1); c.1804A>G, p.Ile602Val (NM_016937.4); short protein forms I602V, I608V, I583V.
Identifiers: ClinVar variation 4740819 (VCV004740819.1).

ClinVar aggregate classification (germline): Uncertain significance (1 of 4 stars; one submission).

gnomAD v4.1: 2 of 1,121,462 alleles (0.00018%); highest among the groups gnomAD compares: African/African-American, 0.0018%; no homozygotes.

Submission:

Labcorp Genetics (formerly Invitae), Labcorp
Classification: Uncertain significance. Last evaluated: 2025-03-31. Review status: criteria provided, single submitter. Criteria: Invitae Variant Classification Sherloc (09022015). Collection method: clinical testing. Allele origin: germline.
Comment: This sequence change replaces isoleucine, which is neutral and non-polar, with valine, which is neutral and non-polar, at codon 602 of the POLA1 protein (p.Ile602Val). This variant is present in population databases (rs766019415, gnomAD 0.006%), including at least one homozygous and/or hemizygous individual. This variant has not been reported in the literature in individuals affected with POLA1-related conditions. Invitae Evidence Modeling of protein sequence and biophysical properties (such as structural, functional, and spatial information, amino acid conservation, physicochemical variation, residue mobility, and thermodynamic stability) indicates that this missense variant is not expected to disrupt POLA1 protein function with a negative predictive value of 80%. In summary, the available evidence is currently insufficient to determine the role of this variant in disease. Therefore, it has been classified as a Variant of Uncertain Significance.